The following is an entry in ClinVar:

ClinVar aggregate classification (germline): Uncertain significance (1 of 4 stars; one submission).

Conditions:
Inosine triphosphatase deficiency. Also called: INOSINE TRIPHOSPHATE PYROPHOSPHOHYDROLASE DEFICIENCY. Identifiers: MedGen C0342800, MONDO:0013461, OMIM 613850.

Allele frequency attached by ClinVar (database versions not stated): gnomAD 0.00001; gnomAD exomes 0.00001 and 0.00002; TOPMed 0.00001; ExAC 0.00004; ESP Exome Variant Server 0.00015.

Submission:

Labcorp Genetics (formerly Invitae), Labcorp
Classification: Uncertain significance for Inosine triphosphatase deficiency. Last evaluated: 2022-07-12. Review status: criteria provided, single submitter. Criteria: Invitae Variant Classification Sherloc (09022015). Collection method: clinical testing. Allele origin: germline.
Comment: This sequence change replaces alanine, which is neutral and non-polar, with threonine, which is neutral and polar, at codon 165 of the ITPA protein (p.Ala165Thr). This variant is present in population databases (rs371471145, gnomAD 0.007%). This variant has not been reported in the literature in individuals affected with ITPA-related conditions. ClinVar contains an entry for this variant (Variation ID: 1477783). Algorithms developed to predict the effect of missense changes on protein structure and function are either unavailable or do not agree on the potential impact of this missense change (SIFT: "Deleterious"; PolyPhen-2: "Probably Damaging"; Align-GVGD: "Class C0"). In summary, the available evidence is currently insufficient to determine the role of this variant in disease. Therefore, it has been classified as a Variant of Uncertain Significance.

NM_033453.4(ITPA):c.493G>A (p.Ala165Thr)

Gene: ITPA (inosine triphosphatase; plus strand). Cytogenetic location: 20p13.
Variant type: single nucleotide variant.
Coding change: c.493G>A on transcript NM_033453.4 (MANE Select); coding-DNA position 493, G replaced by A.
Protein change: p.Ala165Thr; replaces alanine 165 with threonine.
Molecular consequence: missense variant. On other transcripts: synonymous variant (4), non-coding transcript variant (2), intron variant (1).
Genome position (GRCh38, 1-based): chr20:3,223,370, G>A. VCF-style: chr20-3223370-G-A. GRCh37 (hg19) VCF-style: chr20-3204016-G-A.
Other names: c.370G>A, p.Ala124Thr (NM_001267623.2); c.156G>A, p.Thr52= (NM_001324236.2, NM_001324237.2, NM_001324238.2 and 1 more transcripts); c.442G>A, p.Ala148Thr (NM_181493.4); c.412-3313G>A (NM_001324240.2); short protein forms A165T, A148T, A124T.
Identifiers: ClinVar variation 1477783 (VCV001477783.3), dbSNP rs371471145, ClinGen allele CA9741351.
Genomic context (GRCh38, chr20:3,223,370, plus strand): 5'-GGGGTGCACTTCCTTCCTGAATCTGGGCTCCCTGAGCTGCTACTGTCACCCCTCAGGTAC[G>A]CAGAGATGCCTAAGGCGGAGAAGAACGCTGTCTCCCATCGCTTCCGGGCCCTGCTGGAGC-3'
Protein context (NP_258412.1, residues 155-175): FQPDGYEQTY[Ala165Thr]EMPKAEKNAV